The following is an entry in ClinVar:

NM_001243133.2(NLRP3):c.599C>T (p.Pro200Leu)

Gene: NLRP3 (NLR family pyrin domain containing 3; plus strand). Cytogenetic location: 1q44.
Variant type: single nucleotide variant.
Coding change: c.599C>T on transcript NM_001243133.2 (MANE Select); coding-DNA position 599, C replaced by T.
Protein change: p.Pro200Leu; replaces proline 200 with leucine.
Molecular consequence: missense variant.
Genome position (GRCh38, 1-based): chr1:247,424,048, C>T. VCF-style: chr1-247424048-C-T. GRCh37 (hg19) VCF-style: chr1-247587350-C-T.
Other names: c.599C>T, p.Pro200Leu (NM_001079821.3, NM_001127461.3, NM_001127462.3 and 1 more transcripts); c.605C>T, p.Pro202Leu (NM_004895.5); short protein forms P200L, P202L.
Identifiers: ClinVar variation 4691362 (VCV004691362.1).

ClinVar aggregate classification (germline): Uncertain significance (1 of 4 stars; one submission).

Conditions:
Cryopyrin associated periodic syndrome (CAPS). Identifiers: Orphanet 208650, MedGen C2316212, MONDO:0016168.

Submission:

Labcorp Genetics (formerly Invitae), Labcorp
Classification: Uncertain significance for Cryopyrin associated periodic syndrome. Last evaluated: 2025-07-05. Review status: criteria provided, single submitter. Criteria: Invitae Variant Classification Sherloc (09022015). Collection method: clinical testing. Allele origin: germline.
Comment: This sequence change replaces proline, which is neutral and non-polar, with leucine, which is neutral and non-polar, at codon 202 of the NLRP3 protein (p.Pro202Leu). This variant is not present in population databases (gnomAD no frequency). This variant has not been reported in the literature in individuals affected with NLRP3-related conditions. Invitae Evidence Modeling of protein sequence and biophysical properties (such as structural, functional, and spatial information, amino acid conservation, physicochemical variation, residue mobility, and thermodynamic stability) has been performed for this missense variant. However, the output from this modeling did not meet the statistical confidence thresholds required to predict the impact of this variant on NLRP3 protein function. In summary, the available evidence is currently insufficient to determine the role of this variant in disease. Therefore, it has been classified as a Variant of Uncertain Significance.